The following is an entry in ClinVar:

ClinVar aggregate classification (germline): Uncertain significance (1 of 4 stars; one submission).

Submission:

Labcorp Genetics (formerly Invitae), Labcorp
Classification: Uncertain significance. Last evaluated: 2024-11-29. Review status: criteria provided, single submitter. Criteria: Invitae Variant Classification Sherloc (09022015). Collection method: clinical testing. Allele origin: germline.
Comment: This sequence change replaces isoleucine, which is neutral and non-polar, with methionine, which is neutral and non-polar, at codon 677 of the KCNQ4 protein (p.Ile677Met). This variant is not present in population databases (gnomAD no frequency). This variant has not been reported in the literature in individuals affected with KCNQ4-related conditions. Invitae Evidence Modeling of protein sequence and biophysical properties (such as structural, functional, and spatial information, amino acid conservation, physicochemical variation, residue mobility, and thermodynamic stability) indicates that this missense variant is not expected to disrupt KCNQ4 protein function with a negative predictive value of 95%. In summary, the available evidence is currently insufficient to determine the role of this variant in disease. Therefore, it has been classified as a Variant of Uncertain Significance.

NM_004700.4(KCNQ4):c.2031C>G (p.Ile677Met)

Gene: KCNQ4 (potassium voltage-gated channel subfamily Q member 4; plus strand). Cytogenetic location: 1p34.2.
Variant type: single nucleotide variant.
Coding change: c.2031C>G on transcript NM_004700.4 (MANE Select); coding-DNA position 2031, C replaced by G.
Protein change: p.Ile677Met; replaces isoleucine 677 with methionine.
Molecular consequence: missense variant.
Genome position (GRCh38, 1-based): chr1:40,838,466, C>G. VCF-style: chr1-40838466-C-G. GRCh37 (hg19) VCF-style: chr1-41304138-C-G.
Other names: c.1869C>G, p.Ile623Met (NM_172163.3); short protein forms I623M, I677M.
Identifiers: ClinVar variation 3720078 (VCV003720078.2).